The following is an entry in ClinVar:

ClinVar aggregate classification (germline): Uncertain significance (1 of 4 stars; one submission).

Submission:

GeneDx
Classification: Uncertain significance. Last evaluated: 2024-06-30. Review status: criteria provided, single submitter. Criteria: GeneDx Variant Classification Process June 2021. Collection method: clinical testing. Allele origin: germline. Affected: yes.
Comment: Not observed at significant frequency in large population cohorts (gnomAD); In silico analysis supports that this missense variant has a deleterious effect on protein structure/function; Has not been previously published as pathogenic or benign to our knowledge

NM_138459.5(NUS1):c.814A>T (p.Ile272Phe)

Gene: NUS1 (NUS1 dehydrodolichyl diphosphate synthase subunit; plus strand). Cytogenetic location: 6q22.1.
Variant type: single nucleotide variant.
Coding change: c.814A>T on transcript NM_138459.5 (MANE Select); coding-DNA position 814, A replaced by T.
Protein change: p.Ile272Phe; replaces isoleucine 272 with phenylalanine.
Molecular consequence: missense variant.
Genome position (GRCh38, 1-based): chr6:117,706,947, A>T. VCF-style: chr6-117706947-A-T. GRCh37 (hg19) VCF-style: chr6-118028110-A-T.
Other names: short protein forms I272F.
Identifiers: ClinVar variation 3393696 (VCV003393696.1).